The following is an entry in ClinVar:

NM_004722.4(AP4M1):c.1140G>A (p.Met380Ile)

Gene: AP4M1 (adaptor related protein complex 4 subunit mu 1; plus strand). Cytogenetic location: 7q22.1.
Variant type: single nucleotide variant.
Coding change: c.1140G>A on transcript NM_004722.4 (MANE Select); coding-DNA position 1140, G replaced by A.
Protein change: p.Met380Ile; replaces methionine 380 with isoleucine.
Molecular consequence: missense variant.
Genome position (GRCh38, 1-based): chr7:100,106,660, G>A. VCF-style: chr7-100106660-G-A. GRCh37 (hg19) VCF-style: chr7-99704283-G-A.
Other names: c.1161G>A, p.Met387Ile (NM_001363671.2); short protein forms M380I, M387I.
Identifiers: ClinVar variation 699372 (VCV000699372.41), dbSNP rs574878636, ClinGen allele CA4375009.

ClinVar aggregate classification (germline): Conflicting classifications of pathogenicity. Review status: criteria provided, conflicting classifications (1 of 4 stars). 5 submissions from 5 submitters: Uncertain significance (3); Likely benign (2). Last evaluated 2025-07-14.

Conditions:
Hereditary spastic paraplegia 50 (SPG50). Also called: Spastic paraplegia 50, autosomal recessive. Identifiers: Orphanet 280763, MedGen C2752008, MONDO:0013048, OMIM 612936.

Allele frequency attached by ClinVar (database versions not stated): gnomAD 0.00005 and 0.00015; TOPMed 0.00005; gnomAD exomes 0.00029 and 0.00053; 1000 Genomes Project 30x 0.00031; 1000 Genomes Project 0.00040; ExAC 0.00054.
gnomAD v4.1: 461 of 1,565,200 alleles (0.029%); highest among the groups gnomAD compares: South Asian, 0.4%; 2 homozygotes.

Submissions (5):

Labcorp Genetics (formerly Invitae), Labcorp
Classification: Likely benign for Hereditary spastic paraplegia 50. Last evaluated: 2025-07-14. Review status: criteria provided, single submitter. Criteria: Invitae Variant Classification Sherloc (09022015). Collection method: clinical testing. Allele origin: germline.

Blueprint Genetics
Classification: Uncertain significance. Last evaluated: 2024-11-19. Review status: criteria provided, single submitter. Criteria: ACMG Guidelines, 2015. Collection method: clinical testing. Allele origin: germline.

CeGaT Center for Human Genetics Tuebingen
Classification: Likely benign. Last evaluated: 2024-03-01. Review status: criteria provided, single submitter. Criteria: CeGaT Center For Human Genetics Tuebingen Variant Classification Criteria Version 2. Collection method: clinical testing. Allele origin: germline. Affected: yes. Observed: 2 variant alleles.
Comment: AP4M1: BS1

Baylor Genetics
Classification: Uncertain significance for Hereditary spastic paraplegia 50. Last evaluated: 2018-03-25. Review status: criteria provided, single submitter. Criteria: ACMG Guidelines, 2015. Collection method: clinical testing. Allele origin: paternal. Affected: yes.
Comment: This variant was determined to be of uncertain significance according to ACMG Guidelines, 2015 [PMID:25741868].

Genetic Services Laboratory, University of Chicago
Classification: Uncertain significance. Last evaluated: 2017-12-04. Review status: criteria provided, single submitter. Criteria: ACMG Guidelines, 2015. Collection method: clinical testing. Allele origin: germline. Affected: no.